The following is an entry in ClinVar:

NM_000257.4(MYH7):c.1834T>G (p.Ser612Ala)

Gene: MYH7 (myosin heavy chain 7; minus strand). Cytogenetic location: 14q11.2.
Variant type: single nucleotide variant.
Coding change: c.1834T>G on transcript NM_000257.4 (MANE Select); coding-DNA position 1834, T replaced by G.
Protein change: p.Ser612Ala; replaces serine 612 with alanine.
Molecular consequence: missense variant.
Genome position (GRCh38, 1-based): chr14:23,427,639, A>C on the plus strand (T>G on the coding strand, the complement: MYH7 is on the minus strand). VCF-style: chr14-23427639-A-C. GRCh37 (hg19) VCF-style: chr14-23896848-A-C.
Other names: c.1834T>G, p.Ser612Ala (NM_001407004.1); short protein forms S612A.
Identifiers: ClinVar variation 2773955 (VCV002773955.2), dbSNP rs1005703927, ClinGen allele CA389049718.

ClinVar aggregate classification (germline): Uncertain significance (1 of 4 stars; one submission).

Conditions:
Cardiomyopathy (CMYO). Also called: Cardiomyopathies. Identifiers: Orphanet 167848, MedGen C0878544, MONDO:0004994, HP:0001638. Inheritance: Various modes of inheritance.

Submission:

Color Diagnostics, LLC DBA Color Health
Classification: Uncertain significance for Cardiomyopathy. Last evaluated: 2022-08-15. Review status: criteria provided, single submitter. Criteria: ACMG Guidelines, 2015. Collection method: clinical testing. Allele origin: germline.
Comment: This missense variant replaces serine with alanine at codon 612 of the MYH7 protein. Computational prediction suggests that this variant may have deleterious impact on protein structure and function (internally defined REVEL score threshold >= 0.7, PMID: 27666373). To our knowledge, functional studies have not been reported for this variant. This variant is found within a highly conserved region of the myosin head domain. Missense variants in this region have been shown to be significantly overrepresented in individuals with hypertrophic cardiomyopathy (PMID: 27532257). This variant has not been reported in individuals affected with cardiovascular disorders in the literature. This variant has not been identified in the general population by the Genome Aggregation Database (gnomAD). The available evidence is insufficient to determine the role of this variant in disease conclusively. Therefore, this variant is classified as a Variant of Uncertain Significance.

Literature cited by the submitters: PubMed 27532257.